The following is an entry in ClinVar:

ClinVar aggregate classification (germline): Uncertain significance (1 of 4 stars; one submission).

Conditions:
Hereditary cancer-predisposing syndrome. Also called: Neoplastic Syndromes, Hereditary; Tumor predisposition; Hereditary Cancer Syndrome; Hereditary neoplastic syndrome. Identifiers: Orphanet 140162, MedGen C0027672, MeSH D009386, MONDO:0015356.

Submission:

Labcorp Genetics (formerly Invitae), Labcorp
Classification: Uncertain significance for Hereditary cancer-predisposing syndrome. Last evaluated: 2023-04-12. Review status: criteria provided, single submitter. Criteria: Invitae Variant Classification Sherloc (09022015). Collection method: clinical testing. Allele origin: germline.
Comment: In summary, the available evidence is currently insufficient to determine the role of this variant in disease. Therefore, it has been classified as a Variant of Uncertain Significance. This sequence change replaces glutamine, which is neutral and polar, with glutamic acid, which is acidic and polar, at codon 1058 of the RAD50 protein (p.Gln1058Glu). Advanced modeling of protein sequence and biophysical properties (such as structural, functional, and spatial information, amino acid conservation, physicochemical variation, residue mobility, and thermodynamic stability) performed at Invitae indicates that this missense variant is not expected to disrupt RAD50 protein function. ClinVar contains an entry for this variant (Variation ID: 639645). This variant has not been reported in the literature in individuals affected with RAD50-related conditions. This variant is not present in population databases (gnomAD no frequency).

NM_005732.4(RAD50):c.3172C>G (p.Gln1058Glu)

Gene: RAD50 (RAD50 double strand break repair protein; plus strand). Cytogenetic location: 5q31.1.
Variant type: single nucleotide variant.
Coding change: c.3172C>G on transcript NM_005732.4 (MANE Select); coding-DNA position 3172, C replaced by G.
Protein change: p.Gln1058Glu; replaces glutamine 1058 with glutamic acid.
Molecular consequence: missense variant.
Genome position (GRCh38, 1-based): chr5:132,618,077, C>G. VCF-style: chr5-132618077-C-G. GRCh37 (hg19) VCF-style: chr5-131953769-C-G.
Other names: short protein forms Q1058E.
Identifiers: ClinVar variation 639645 (VCV000639645.9), dbSNP rs1581009345, ClinGen allele CA360964198.